The following is an entry in ClinVar:

ClinVar aggregate classification (germline): Likely pathogenic (1 of 4 stars; one submission).

Conditions:
SCLT1-related disorder. Also called: SCLT1-related condition.

Submission:

PreventionGenetics, part of Exact Sciences
Classification: Likely pathogenic for SCLT1-related condition. Last evaluated: 2026-09-08. Review status: criteria provided, single submitter. Criteria: ACMG Guidelines, 2015. Collection method: clinical testing. Allele origin: germline.
Comment: The SCLT1 c.239_242delAGGT variant is predicted to result in a frameshift and premature protein termination (p.Gln80Argfs*4). To our knowledge, this variant has not been reported in the literature. This variant is reported in 0.011% of alleles in individuals of African descent in gnomAD. Frameshift variants in SCLT1 are expected to be pathogenic. This variant is interpreted as likely pathogenic.

NM_144643.4(SCLT1):c.239_242del (p.Gln80fs)

Gene: SCLT1 (sodium channel and clathrin linker 1; minus strand). Cytogenetic location: 4q28.2.
Variant type: Deletion.
Coding change: c.239_242del on transcript NM_144643.4 (MANE Select); coding-DNA positions 239 to 242, 4 bases deleted (AGGT; older notation c.239_242delAGGT).
Protein change: p.Gln80fs; shifts the reading frame from glutamine 80.
Molecular consequence: frameshift variant.
Genome position (GRCh38, 1-based): chr4:129,039,089-129,039,092, ACCT deleted on the plus strand (AGGT on the coding strand, the reverse complement: SCLT1 is on the minus strand). VCF-style (leftmost placement, unchanged base first): chr4-129039088-CACCT-C. GRCh37 (hg19) VCF-style: chr4-129960243-CACCT-C.
Other names: c.239_242del, p.Gln80fs (NM_001300898.2, NM_001410807.1); short protein forms Q80fs.
Identifiers: ClinVar variation 4982127 (VCV004982127.1).